The following is an entry in ClinVar:

NM_003072.5(SMARCA4):c.1674C>T (p.Asp558=)

Gene: SMARCA4 (SWI/SNF related BAF chromatin remodeling complex subunit ATPase 4; plus strand). Cytogenetic location: 19p13.2.
Variant type: single nucleotide variant.
Coding change: c.1674C>T on transcript NM_003072.5 (MANE Select); coding-DNA position 1674, C replaced by T.
Protein change: p.Asp558=; no amino-acid change (aspartic acid 558 retained).
Molecular consequence: synonymous variant. On other transcripts: non-coding transcript variant (1).
Genome position (GRCh38, 1-based): chr19:10,996,293, C>T. VCF-style: chr19-10996293-C-T. GRCh37 (hg19) VCF-style: chr19-11106969-C-T.
Other names: c.1674C>T, p.Asp558= (NM_001128844.3, NM_001128845.2, NM_001128846.2 and 5 more transcripts).
Identifiers: ClinVar variation 415091 (VCV000415091.25), dbSNP rs147798066, ClinGen allele CA9203851.

ClinVar aggregate classification (germline): Benign/Likely benign. Review status: criteria provided, multiple submitters, no conflicts (2 of 4 stars). 5 submissions from 5 submitters: Benign (1); Likely benign (4). Last evaluated 2026-07-10.

Conditions:
Rhabdoid tumor predisposition syndrome 2 (RTPS2). Identifiers: Orphanet 231108, Orphanet 69077, MedGen C2750074, MONDO:0013224, OMIM 613325.
Hereditary cancer-predisposing syndrome. Also called: Hereditary Cancer Syndrome; Hereditary neoplastic syndrome; Neoplastic Syndromes, Hereditary; Tumor predisposition. Identifiers: Orphanet 140162, MedGen C0027672, MeSH D009386, MONDO:0015356.

Allele frequency attached by ClinVar (database versions not stated): gnomAD 0.00001 and 0.00002; gnomAD exomes 0.00002 and 0.00001; ESP Exome Variant Server 0.00008; TOPMed below 0.00001; ExAC 0.00001; 1000 Genomes Project 0.00020; 1000 Genomes Project 30x 0.00016.
gnomAD v4.1: 25 of 1,614,182 alleles (0.0015%); highest among the groups gnomAD compares: African/African-American, 0.008%; no homozygotes.

Submissions (5):

Myriad Genetics, Inc.
Classification: Benign for Rhabdoid tumor predisposition syndrome 2. Last evaluated: 2026-07-10. Review status: criteria provided, single submitter. Criteria: Myriad Autosomal Dominant, Autosomal Recessive and X-Linked Classification Criteria (2023). Collection method: clinical testing. Allele origin: unknown.
Comment: This variant is considered benign. This variant is a silent/synonymous amino acid change and it is not expected to impact splicing.

CeGaT Center for Human Genetics Tuebingen
Classification: Likely benign. Last evaluated: 2026-03-01. Review status: criteria provided, single submitter. Criteria: CeGaT Center For Human Genetics Tuebingen Variant Classification Criteria Version 2. Collection method: clinical testing. Allele origin: germline. Affected: yes. Observed: 2 variant alleles.
Comment: SMARCA4: BP4, BP7

Labcorp Genetics (formerly Invitae), Labcorp
Classification: Likely benign for Rhabdoid tumor predisposition syndrome 2. Last evaluated: 2026-01-20. Review status: criteria provided, single submitter. Criteria: Invitae Variant Classification Sherloc (09022015). Collection method: clinical testing. Allele origin: germline.

Blueprint Genetics
Classification: Likely benign. Last evaluated: 2024-06-21. Review status: criteria provided, single submitter. Criteria: ACMG Guidelines, 2015. Collection method: clinical testing. Allele origin: germline.

Ambry Genetics
Classification: Likely benign for Hereditary cancer-predisposing syndrome. Last evaluated: 2015-12-11. Review status: criteria provided, single submitter. Criteria: Ambry Variant Classification Scheme 2023. Collection method: clinical testing. Allele origin: germline.